The following is an entry in ClinVar:

NM_003942.3(RPS6KA4):c.1598C>T (p.Pro533Leu)

Gene: RPS6KA4 (ribosomal protein S6 kinase A4; plus strand). Cytogenetic location: 11q13.1.
Variant type: single nucleotide variant.
Coding change: c.1598C>T on transcript NM_003942.3 (MANE Select); coding-DNA position 1598, C replaced by T.
Protein change: p.Pro533Leu; replaces proline 533 with leucine.
Molecular consequence: missense variant.
Genome position (GRCh38, 1-based): chr11:64,369,615, C>T. VCF-style: chr11-64369615-C-T. GRCh37 (hg19) VCF-style: chr11-64137087-C-T.
Other names: c.1580C>T, p.Pro527Leu (NM_001006944.2); c.1577C>T, p.Pro526Leu (NM_001300802.2); c.1409C>T, p.Pro470Leu (NM_001318361.2); short protein forms P470L, P533L, P527L, P526L.
Identifiers: ClinVar variation 5028428 (VCV005028428.1).

ClinVar aggregate classification (germline): Uncertain significance (1 of 4 stars; one submission).

Submission:

Ambry Genetics
Classification: Uncertain significance. Last evaluated: 2026-08-23. Review status: criteria provided, single submitter. Criteria: Ambry Variant Classification Scheme 2023. Collection method: clinical testing. Allele origin: germline.
Comment: The c.1598C>T (p.P533L) alteration is located in exon 13 (coding exon 13) of the RPS6KA4 gene. This alteration results from a C to T substitution at nucleotide position 1598, causing the proline (P) at amino acid position 533 to be replaced by a leucine (L). Based on data from gnomAD, the T allele has an overall frequency of <0.001% (0/220534) total alleles studied. The highest observed frequency was <0.001% (/) of alleles. Based on insufficient or conflicting evidence, the clinical significance of this alteration remains unclear.